The following is an entry in ClinVar:

NM_000222.3(KIT):c.1913T>G (p.Met638Arg)

Gene: KIT (KIT proto-oncogene, receptor tyrosine kinase; plus strand). Cytogenetic location: 4q12.
Variant type: single nucleotide variant.
Coding change: c.1913T>G on transcript NM_000222.3 (MANE Select); coding-DNA position 1913, T replaced by G.
Protein change: p.Met638Arg; replaces methionine 638 with arginine.
Molecular consequence: missense variant.
Genome position (GRCh38, 1-based): chr4:54,728,044, T>G. VCF-style: chr4-54728044-T-G. GRCh37 (hg19) VCF-style: chr4-55594210-T-G.
Other names: c.1901T>G, p.Met634Arg (NM_001093772.2, NM_001385286.1); c.1916T>G, p.Met639Arg (NM_001385284.1, NM_001385290.1); c.1913T>G, p.Met638Arg (NM_001385285.1); c.1904T>G, p.Met635Arg (NM_001385288.1, NM_001385292.1); short protein forms M639R, M634R, M635R, M638R.
Identifiers: ClinVar variation 4093174 (VCV004093174.1).
Genomic context (GRCh38, chr4:54,728,044, plus strand): 5'-TGCTAAAATGCATGTTTCCAATTTTAGCGAGTGCCCATTTGACAGAACGGGAAGCCCTCA[T>G]GTCTGAACTCAAAGTCCTGAGTTACCTTGGTAATCACATGAATATTGTGAATCTACTTGG-3'
Protein context (NP_000213.1, residues 628-648): SAHLTEREAL[Met638Arg]SELKVLSYLG

ClinVar aggregate classification (germline): Uncertain significance (1 of 4 stars; one submission).

Conditions:
Hereditary cancer-predisposing syndrome. Also called: Tumor predisposition; Neoplastic Syndromes, Hereditary; Hereditary neoplastic syndrome; Hereditary Cancer Syndrome. Identifiers: Orphanet 140162, MedGen C0027672, MeSH D009386, MONDO:0015356.

Submission:

Ambry Genetics
Classification: Uncertain significance for Hereditary cancer-predisposing syndrome. Last evaluated: 2025-06-22. Review status: criteria provided, single submitter. Criteria: Ambry Variant Classification Scheme 2023. Collection method: clinical testing. Allele origin: germline.
Comment: The p.M638R variant (also known as c.1913T>G), located in coding exon 13 of the KIT gene, results from a T to G substitution at nucleotide position 1913. The methionine at codon 638 is replaced by arginine, an amino acid with similar properties. This amino acid position is conserved. In addition, this alteration is predicted to be deleterious by in silico analysis. Based on the available evidence, the clinical significance of this variant remains unclear.